The following is an entry in ClinVar:

NC_000011.9:g.(?_68131195)_(68131431_?)del

Gene: LRP5 (LDL receptor related protein 5; plus strand). Cytogenetic location: 11q13.2.
Variant type: Deletion.
Identifiers: ClinVar variation 2424409 (VCV002424409.4).

ClinVar aggregate classification (germline): Pathogenic (1 of 4 stars; one submission).

Submission:

Labcorp Genetics (formerly Invitae), Labcorp
Classification: Pathogenic. Last evaluated: 2022-02-12. Review status: criteria provided, single submitter. Criteria: Invitae Variant Classification Sherloc (09022015). Collection method: clinical testing. Allele origin: germline.
Comment: For these reasons, this variant has been classified as Pathogenic. This variant has not been reported in the literature in individuals affected with LRP5-related conditions. This variant is a gross deletion of the genomic region encompassing exon(s) 4 of the LRP5 gene. This deletion is out-of-frame, and is expected to create a premature termination codon and result in an absent or disrupted protein product. Loss-of-function variants in LRP5 are known to be pathogenic (PMID: 11719191, 16252235, 25711638).

Literature cited by the submitters: PubMed 11719191; PubMed 16252235; PubMed 25711638.